The following is an entry in ClinVar:

ClinVar aggregate classification (germline): Uncertain significance. Review status: criteria provided, multiple submitters, no conflicts (2 of 4 stars). 2 submissions from 2 submitters: Uncertain significance (2). Last evaluated 2023-12-18.

Conditions:
Hypokalemic periodic paralysis, type 1. Also called: Hypokalemic Periodic Paralysis Type 1 (AD); HypoPP. Identifiers: Orphanet 681, MedGen C3714580, MONDO:0042979, OMIM 170400.
Malignant hyperthermia, susceptibility to, 5 (MHS5). Also called: CACNA1S-Related Malignant Hyperthermia Susceptibility. Identifiers: Orphanet 423, MedGen C1866077, MONDO:0011163, OMIM 601887.

gnomAD v4.1: 1 of 1,614,174 alleles (0.000062%); highest among the groups gnomAD compares: Non-Finnish European, 0.000085%; no homozygotes.

Submissions (2):

Labcorp Genetics (formerly Invitae), Labcorp
Classification: Uncertain significance for Hypokalemic periodic paralysis, type 1; Malignant hyperthermia, susceptibility to, 5. Last evaluated: 2023-12-18. Review status: criteria provided, single submitter. Criteria: Invitae Variant Classification Sherloc (09022015). Collection method: clinical testing. Allele origin: germline.
Comment: This sequence change replaces alanine, which is neutral and non-polar, with valine, which is neutral and non-polar, at codon 69 of the CACNA1S protein (p.Ala69Val). This variant is present in population databases (no rsID available, gnomAD 0.0009%). This variant has not been reported in the literature in individuals affected with CACNA1S-related conditions. ClinVar contains an entry for this variant (Variation ID: 875860). Advanced modeling of protein sequence and biophysical properties (such as structural, functional, and spatial information, amino acid conservation, physicochemical variation, residue mobility, and thermodynamic stability) performed at Invitae indicates that this missense variant is not expected to disrupt CACNA1S protein function with a negative predictive value of 80%. In summary, the available evidence is currently insufficient to determine the role of this variant in disease. Therefore, it has been classified as a Variant of Uncertain Significance.

Illumina Laboratory Services, Illumina
Classification: Uncertain significance for Hypokalemic periodic paralysis, type 1. Last evaluated: 2018-01-13. Review status: criteria provided, single submitter. Criteria: ICSL Variant Classification Criteria 13 December 2019. Collection method: clinical testing. Allele origin: germline.

NM_000069.3(CACNA1S):c.206C>T (p.Ala69Val)

Gene: CACNA1S (calcium voltage-gated channel subunit alpha1 S; minus strand). Cytogenetic location: 1q32.1.
Variant type: single nucleotide variant.
Coding change: c.206C>T on transcript NM_000069.3 (MANE Select); coding-DNA position 206, C replaced by T.
Protein change: p.Ala69Val; replaces alanine 69 with valine.
Molecular consequence: missense variant.
Genome position (GRCh38, 1-based): chr1:201,110,216, G>A on the plus strand (C>T on the coding strand, the complement: CACNA1S is on the minus strand). VCF-style: chr1-201110216-G-A. GRCh37 (hg19) VCF-style: chr1-201079344-G-A.
Other names: short protein forms A69V.
Identifiers: ClinVar variation 875860 (VCV000875860.7), dbSNP rs12406479, ClinGen allele CA344155985.
Genomic context (GRCh38, chr1:201,110,216, plus strand): 5'-AATCTTACCAGGCCGAGGTTCAGAGAGTTGTTGTCATCTTCCGGCATGGGCAGGTACACG[G>A]CCAGGGCCACACAATTGGCAAAGATGGTGAGCAAGATGATCGTCTCGAAGGGCCTGGAGC-3'
Protein context (NP_000060.2, residues 59-79): LTIFANCVAL[Ala69Val]VYLPMPEDDN